The following is an entry in ClinVar:

ClinVar aggregate classification (germline): Uncertain significance. Review status: criteria provided, multiple submitters, no conflicts (2 of 4 stars). 5 submissions from 5 submitters: Uncertain significance (4). 1 of the submissions does not count toward it. Last evaluated 2026-01-23.

Conditions:
PRPF31-related disorder. Also called: PRPF31-related condition.
Retinitis pigmentosa 11 (RP11). Identifiers: Orphanet 791, MedGen C1838601, MONDO:0010828, OMIM 600138.

Allele frequency attached by ClinVar (database versions not stated): ExAC 0.00002; gnomAD 0.00002; gnomAD exomes 0.00002 and 0.00004; TOPMed 0.00003.
gnomAD v4.1: 61 of 1,587,884 alleles (0.0038%); highest among the groups gnomAD compares: Non-Finnish European, 0.0046%; no homozygotes.

Submissions (5):

Labcorp Genetics (formerly Invitae), Labcorp
Classification: Uncertain significance. Last evaluated: 2026-01-23. Review status: criteria provided, single submitter. Criteria: Invitae Variant Classification Sherloc (09022015). Collection method: clinical testing. Allele origin: germline.
Comment: This sequence change replaces threonine, which is neutral and polar, with methionine, which is neutral and non-polar, at codon 423 of the PRPF31 protein (p.Thr423Met). The frequency data for this variant in the population databases is considered unreliable, as metrics indicate poor data quality at this position in the gnomAD database. This missense change has been observed in individuals with clinical features of autosomal dominant retinitis pigmentosa (PMID: 36317469; internal data). ClinVar contains an entry for this variant (Variation ID: 1213884). An algorithm developed to predict the effect of missense changes on protein structure and function (PolyPhen-2) suggests that this variant is likely to be disruptive. In summary, the available evidence is currently insufficient to determine the role of this variant in disease. Therefore, it has been classified as a Variant of Uncertain Significance.

Blueprint Genetics
Classification: Uncertain significance. Last evaluated: 2021-12-29. Review status: criteria provided, single submitter. Criteria: ACMG Guidelines, 2015. Collection method: clinical testing. Allele origin: germline.

DBGen Ocular Genomics
Classification: Uncertain significance for Retinitis pigmentosa 11. Last evaluated: 2021-06-21. Review status: criteria provided, single submitter. Criteria: ACMG Guidelines, 2015. Collection method: clinical testing. Allele origin: germline. Affected: yes. Observed: 1 variant allele.

Breakthrough Genomics
Classification: Uncertain significance. Review status: criteria provided, single submitter. Criteria: ACMG Guidelines, 2015. Collection method: not provided. Allele origin: germline. Inheritance: Autosomal dominant inheritance. Affected: yes.

PreventionGenetics, part of Exact Sciences
Classification: Uncertain significance for PRPF31-related condition. Last evaluated: 2024-09-26. Review status: no assertion criteria provided. Collection method: clinical testing. Allele origin: germline. Not counted in ClinVar's aggregate classification.
Comment: The PRPF31 c.1268C>T variant is predicted to result in the amino acid substitution p.Thr423Met. This variant has been reported in multiple affected individuals from two families with retinitis pigmentosa but was also found in two unaffected carriers (Chen et al. 2022. PubMed ID: 36317469). This variant is reported in 0.0081% of alleles in individuals of African descent in gnomAD. At this time, the clinical significance of this variant is uncertain due to the absence of conclusive functional and genetic evidence.

Literature cited by the submitters: PubMed 36317469 (cited by Labcorp Genetics (formerly Invitae), Labcorp).

NM_015629.4(PRPF31):c.1268C>T (p.Thr423Met)

Gene: PRPF31 (pre-mRNA processing factor 31; plus strand). Cytogenetic location: 19q13.42.
Variant type: single nucleotide variant.
Coding change: c.1268C>T on transcript NM_015629.4 (MANE Select); coding-DNA position 1268, C replaced by T.
Protein change: p.Thr423Met; replaces threonine 423 with methionine.
Molecular consequence: missense variant.
Genome position (GRCh38, 1-based): chr19:54,129,178, C>T. VCF-style: chr19-54129178-C-T. GRCh37 (hg19) VCF-style: chr19-54632553-C-T.
Other names: c.1268C>T (NM_015629.3); short protein forms T423M.
Identifiers: ClinVar variation 1213884 (VCV001213884.11), dbSNP rs753277924, ClinGen allele CA309330590.